The following is an entry in ClinVar:

NM_020117.11(LARS1):c.743G>T (p.Cys248Phe)

Gene: LARS1 (leucyl-tRNA synthetase 1; minus strand). Cytogenetic location: 5q32.
Variant type: single nucleotide variant.
Coding change: c.743G>T on transcript NM_020117.11 (MANE Select); coding-DNA position 743, G replaced by T.
Protein change: p.Cys248Phe; replaces cysteine 248 with phenylalanine.
Molecular consequence: missense variant.
Genome position (GRCh38, 1-based): chr5:146,159,435, C>A on the plus strand (G>T on the coding strand, the complement: LARS1 is on the minus strand). VCF-style: chr5-146159435-C-A. GRCh37 (hg19) VCF-style: chr5-145538998-C-A.
Other names: c.605G>T, p.Cys202Phe (NM_001317964.2); c.581G>T, p.Cys194Phe (NM_001317965.2); c.662G>T, p.Cys221Phe (NM_016460.4); short protein forms C194F, C202F, C221F, C248F.
Identifiers: ClinVar variation 3385080 (VCV003385080.1).

ClinVar aggregate classification (germline): Likely pathogenic (1 of 4 stars; one submission).

Conditions:
Acute infantile liver failure due to synthesis defect of mtDNA-encoded proteins. Also called: TRMU Deficiency; LIVER FAILURE, INFANTILE, TRANSIENT; Liver failure acute infantile. Identifiers: Orphanet 217371, MedGen C3278664, MONDO:0013111, OMIM 613070.

Submission:

Women's Health and Genetics/Laboratory Corporation of America, LabCorp
Classification: Likely pathogenic for Acute infantile liver failure due to synthesis defect of mtDNA-encoded proteins. Last evaluated: 2024-10-25. Review status: criteria provided, single submitter. Criteria: LabCorp Variant Classification Summary - May 2015. Collection method: clinical testing. Allele origin: germline.
Comment: Variant summary: LARS1 c.743G>T (p.Cys248Phe) results in a non-conservative amino acid change located in the Aminoacyl-tRNA synthetase, class Ia domain (IPR002300) of the encoded protein sequence. Four of five in-silico tools predict a damaging effect of the variant on protein function. The variant was absent in 251090 control chromosomes. c.743G>T has been reported in the literature in at-least one individual affected with Liver Failure Acute Infantile, Type 1 (example: Tabolacci_2021). At least one publication reports experimental evidence evaluating an impact on protein function. The most pronounced variant effect results in <10% of normal activity (example: Tabolacci_2021). The following publication has been ascertained in the context of this evaluation (PMID: 33314043). No submitters have cited clinical-significance assessments for this variant to ClinVar. Based on the evidence outlined above, the variant was classified as likely pathogenic.

Literature cited by the submitters: PubMed 33314043.